The following is an entry in ClinVar:

ClinVar aggregate classification (germline): Uncertain significance (1 of 4 stars; one submission).

Conditions:
Predisposition to invasive fungal disease due to CARD9 deficiency (IMD103). Also called: Candidiasis, familial, 2, autosomal recessive; IMMUNODEFICIENCY 103, SUSCEPTIBILITY TO FUNGAL INFECTIONS; CARD9 IMMUNODEFICIENCY. Identifiers: Orphanet 457088, MedGen C1859353, MONDO:0008905, OMIM 212050.

Allele frequency attached by ClinVar (database versions not stated): gnomAD exomes below 0.00001 and 0.00001.

Submission:

Labcorp Genetics (formerly Invitae), Labcorp
Classification: Uncertain significance for Predisposition to invasive fungal disease due to CARD9 deficiency. Last evaluated: 2019-07-16. Review status: criteria provided, single submitter. Criteria: Invitae Variant Classification Sherloc (09022015). Collection method: clinical testing. Allele origin: germline.
Comment: This variant is not present in population databases (ExAC no frequency). This sequence change replaces glutamic acid with glutamine at codon 146 of the CARD9 protein (p.Glu146Gln). The glutamic acid residue is highly conserved and there is a small physicochemical difference between glutamic acid and glutamine. Algorithms developed to predict the effect of missense changes on protein structure and function (SIFT, PolyPhen-2, Align-GVGD) all suggest that this variant is likely to be tolerated, but these predictions have not been confirmed by published functional studies and their clinical significance is uncertain. This variant has not been reported in the literature in individuals with CARD9-related conditions. In summary, the available evidence is currently insufficient to determine the role of this variant in disease. Therefore, it has been classified as a Variant of Uncertain Significance.

NM_052813.5(CARD9):c.436G>C (p.Glu146Gln)

Gene: CARD9 (caspase recruitment domain family member 9; minus strand). Cytogenetic location: 9q34.3.
Variant type: single nucleotide variant.
Coding change: c.436G>C on transcript NM_052813.5 (MANE Select); coding-DNA position 436, G replaced by C.
Protein change: p.Glu146Gln; replaces glutamic acid 146 with glutamine.
Molecular consequence: missense variant.
Genome position (GRCh38, 1-based): chr9:136,371,032, C>G on the plus strand (G>C on the coding strand, the complement: CARD9 is on the minus strand). VCF-style: chr9-136371032-C-G. GRCh37 (hg19) VCF-style: chr9-139265484-C-G.
Other names: c.436G>C, p.Glu146Gln (NM_052814.4); short protein forms E146Q.
Identifiers: ClinVar variation 950105 (VCV000950105.10), dbSNP rs1407588129, ClinGen allele CA375545470.
Genomic context (GRCh38, chr9:136,371,032, plus strand): 5'-CCTTGAGCCTCTGCACACGCTCCTGGTGCTTGCGCAGCAGGCTGTCCTTCACCCGCAGCT[C>G]CTTGATGAAGTCATCTTTGGAGCTCAGCAGCGCGGTCAGGTCCTGCACCTTCTTCTGCAG-3'
Protein context (NP_434700.2, residues 136-156): LLSSKDDFIK[Glu146Gln]LRVKDSLLRK